The following is an entry in ClinVar:

ClinVar aggregate classification (germline): Uncertain significance (1 of 4 stars; one submission).

Allele frequency attached by ClinVar (database versions not stated): gnomAD exomes 0.00001; gnomAD 0.00001; TOPMed below 0.00001.
gnomAD v4.1: 18 of 1,613,990 alleles (0.0011%); highest among the groups gnomAD compares: Admixed American, 0.0017%; no homozygotes.

Submission:

Labcorp Genetics (formerly Invitae), Labcorp
Classification: Uncertain significance. Last evaluated: 2022-08-15. Review status: criteria provided, single submitter. Criteria: Invitae Variant Classification Sherloc (09022015). Collection method: clinical testing. Allele origin: germline.
Comment: ClinVar contains an entry for this variant (Variation ID: 1426612). In summary, the available evidence is currently insufficient to determine the role of this variant in disease. Therefore, it has been classified as a Variant of Uncertain Significance. Algorithms developed to predict the effect of missense changes on protein structure and function (SIFT, PolyPhen-2, Align-GVGD) all suggest that this variant is likely to be tolerated. This variant has not been reported in the literature in individuals affected with EFL1-related conditions. This variant is present in population databases (no rsID available, gnomAD 0.004%). This sequence change replaces glutamine, which is neutral and polar, with glutamic acid, which is acidic and polar, at codon 778 of the EFL1 protein (p.Gln778Glu).

NM_024580.6(EFL1):c.2332C>G (p.Gln778Glu)

Gene: EFL1 (elongation factor like GTPase 1; minus strand). Cytogenetic location: 15q25.2.
Variant type: single nucleotide variant.
Coding change: c.2332C>G on transcript NM_024580.6 (MANE Select); coding-DNA position 2332, C replaced by G.
Protein change: p.Gln778Glu; replaces glutamine 778 with glutamic acid.
Molecular consequence: missense variant. On other transcripts: non-coding transcript variant (1).
Genome position (GRCh38, 1-based): chr15:82,152,122, G>C on the plus strand (C>G on the coding strand, the complement: EFL1 is on the minus strand). VCF-style: chr15-82152122-G-C. GRCh37 (hg19) VCF-style: chr15-82444463-G-C.
Other names: c.2179C>G, p.Gln727Glu (NM_001040610.3); c.1543C>G, p.Gln515Glu (NM_001322844.2); c.2332C>G, p.Gln778Glu (NM_001322845.2); short protein forms Q727E, Q778E, Q515E.
Identifiers: ClinVar variation 1426612 (VCV001426612.6), dbSNP rs1280672308, ClinGen allele CA393287859.
Genomic context (GRCh38, chr15:82,152,122, plus strand): 5'-CTTGGGTCTTCTGATGAATCATGTGAGTATTTTCACCCTCATTCAAAGAGGATGTCAACT[G>C]CTCCATAGAACGAATCAAATCACTATTTTCTTCCAGAATCTGGGTGACTTCTTCTGGAAG-3'
Protein context (NP_078856.4, residues 768-788): ENSDLIRSME[Gln778Glu]LTSSLNEGEN